The following is an entry in ClinVar:

NM_002907.4(RECQL):c.1513del (p.Glu505fs)

Gene: RECQL (RecQ like helicase; minus strand). Cytogenetic location: 12p12.1.
Variant type: Deletion.
Coding change: c.1513del on transcript NM_002907.4 (MANE Select); coding-DNA position 1513, one base deleted (G; older notation c.1513delG).
Protein change: p.Glu505fs; shifts the reading frame from glutamic acid 505.
Molecular consequence: frameshift variant.
Genome position (GRCh38, 1-based): chr12:21,471,582, C deleted on the plus strand (G on the coding strand, the reverse complement: RECQL is on the minus strand); the first of 2 consecutive C bases (chr12:21,471,582-21,471,583); deleting either gives the same sequence. VCF-style (leftmost placement, unchanged base first): chr12-21471581-TC-T. GRCh37 (hg19) VCF-style: chr12-21624515-TC-T.
Other names: c.1513del, p.Glu505fs (NM_032941.3); short protein forms E505fs.
Identifiers: ClinVar variation 1774267 (VCV001774267.3), dbSNP rs2540322039, ClinGen allele CA2580085255.
Genomic context (GRCh38, chr12:21,471,581, plus strand): 5'-GCTGCACCCTTTCCCATCCAAGAATCAATCAGTTTCAATGGAGTGAGTTTTTCATTCAGT[TC>T]CTCTGCCTGCTTCAGGATCTTGATTAGATCTCTGCAGTACTCTGTTATGTTCTTTCTTTC-3'

ClinVar aggregate classification (germline): Uncertain significance. Review status: criteria provided, multiple submitters, no conflicts (2 of 4 stars). 2 submissions from 2 submitters: Uncertain significance (2). Last evaluated 2025-04-11.

Submissions (2):

Labcorp Genetics (formerly Invitae), Labcorp
Classification: Uncertain significance. Last evaluated: 2025-04-11. Review status: criteria provided, single submitter. Criteria: Invitae Variant Classification Sherloc (09022015). Collection method: clinical testing. Allele origin: germline.
Comment: This sequence change creates a premature translational stop signal (p.Glu505Asnfs*2) in the RECQL gene. It is expected to result in an absent or disrupted protein product. However, the current clinical and genetic evidence is not sufficient to establish whether loss-of-function variants in RECQL cause disease. This variant is not present in population databases (gnomAD no frequency). This variant has not been reported in the literature in individuals affected with RECQL-related conditions. ClinVar contains an entry for this variant (Variation ID: 1774267). In summary, the available evidence is currently insufficient to determine the role of this variant in disease. Therefore, it has been classified as a Variant of Uncertain Significance.

Ambry Genetics
Classification: Uncertain significance. Last evaluated: 2022-05-25. Review status: criteria provided, single submitter. Criteria: Ambry Variant Classification Scheme 2023. Collection method: clinical testing. Allele origin: germline.
Comment: The c.1513delG variant, located in coding exon 12 of the RECQL gene, results from a deletion of one nucleotide at nucleotide position 1513, causing a translational frameshift with a predicted alternate stop codon (p.E505Nfs*2). This alteration is expected to result in loss of function by premature protein truncation or nonsense-mediated mRNA decay. The evidence for this gene-disease relationship is limited; therefore, the clinical significance of this alteration is unclear.